The following is an entry in ClinVar:

NM_006015.6(ARID1A):c.6410C>A (p.Ala2137Asp)

Gene: ARID1A (AT-rich interaction domain 1A; plus strand). Cytogenetic location: 1p36.11.
Variant type: single nucleotide variant.
Coding change: c.6410C>A on transcript NM_006015.6 (MANE Select); coding-DNA position 6410, C replaced by A.
Protein change: p.Ala2137Asp; replaces alanine 2137 with aspartic acid.
Molecular consequence: missense variant.
Genome position (GRCh38, 1-based): chr1:26,780,308, C>A. VCF-style: chr1-26780308-C-A. GRCh37 (hg19) VCF-style: chr1-27106799-C-A.
Other names: c.6410C>A (LRG_875t1); c.5759C>A, p.Ala1920Asp (NM_139135.4); short protein forms A2137D, A1920D.
Identifiers: ClinVar variation 432033 (VCV000432033.3), dbSNP rs1553153771, ClinGen allele CA339192249.
Genomic context (GRCh38, chr1:26,780,308, plus strand): 5'-TGGTCTTGGAAACCCTCAGCAAACTCAGCATCCAGGACAACAATGTGGACCTGATTCTGG[C>A]CACACCCCCCTTCAGCCGCCTGGAGAAGTTGTATAGCACTATGGTGCGCTTCCTCAGTGA-3'
Protein context (NP_006006.3, residues 2127-2147): IQDNNVDLIL[Ala2137Asp]TPPFSRLEKL

ClinVar aggregate classification (germline): Likely pathogenic (1 of 4 stars; one submission).

Conditions:
Coffin-Siris syndrome. Identifiers: Orphanet 1465, MedGen C0265338, MONDO:0015452.

Submission:

GeneDx
Classification: Likely pathogenic. Last evaluated: 2015-11-28. Review status: criteria provided, single submitter. Criteria: GeneDx Variant Classification (06012015). Collection method: clinical testing. Allele origin: germline. Affected: yes.
Comment: The A2137D variant in the ARID1A gene has not been reported previously as a pathogenic variant, nor as a benign variant, to our knowledge. The A2137D variant was not observed in approximately 6500 individuals of European and African American ancestry in the NHLBI Exome Sequencing Project, indicating it is not a common benign variant in these populations. The A2137D variant is a non-conservative amino acid substitution, which is likely to impact secondary protein structure as these residues differ in polarity, charge, size and/or other properties. This substitution occurs at a position that is conserved across species and in silico analysis predicts this variant is probably damaging to the protein structure/function. The A2137D variant is a strong candidate for a pathogenic variant.